The following is an entry in ClinVar:

ClinVar aggregate classification (germline): Uncertain significance. Review status: criteria provided, multiple submitters, no conflicts (2 of 4 stars). 2 submissions from 2 submitters: Uncertain significance (2). Last evaluated 2025-02-06.

Conditions:
Ataxia-telangiectasia syndrome (AT). Also called: LOUIS-BAR SYNDROME; Cerebello-oculocutaneous telangiectasia; Immunodeficiency with ataxia telangiectasia; Ataxia telangiectasia (A-T); Ataxia-telangiectasia, complementation group D; AT, COMPLEMENTATION GROUP C. Identifiers: Orphanet 100, MedGen C0004135, MONDO:0008840, OMIM 208900.
Hereditary cancer-predisposing syndrome. Also called: Neoplastic Syndromes, Hereditary; Tumor predisposition; Hereditary Cancer Syndrome; Hereditary neoplastic syndrome. Identifiers: Orphanet 140162, MedGen C0027672, MeSH D009386, MONDO:0015356.

Submissions (2):

Labcorp Genetics (formerly Invitae), Labcorp
Classification: Uncertain significance for Ataxia-telangiectasia syndrome. Last evaluated: 2025-02-06. Review status: criteria provided, single submitter. Criteria: Invitae Variant Classification Sherloc (09022015). Collection method: clinical testing. Allele origin: germline.
Comment: This sequence change replaces glutamic acid, which is acidic and polar, with glutamine, which is neutral and polar, at codon 2221 of the ATM protein (p.Glu2221Gln). This variant is not present in population databases (gnomAD no frequency). This variant has not been reported in the literature in individuals affected with ATM-related conditions. ClinVar contains an entry for this variant (Variation ID: 1478159). Invitae Evidence Modeling of protein sequence and biophysical properties (such as structural, functional, and spatial information, amino acid conservation, physicochemical variation, residue mobility, and thermodynamic stability) has been performed for this missense variant. However, the output from this modeling did not meet the statistical confidence thresholds required to predict the impact of this variant on ATM protein function. In summary, the available evidence is currently insufficient to determine the role of this variant in disease. Therefore, it has been classified as a Variant of Uncertain Significance.

Ambry Genetics
Classification: Uncertain significance for Hereditary cancer-predisposing syndrome. Last evaluated: 2025-01-17. Review status: criteria provided, single submitter. Criteria: Ambry Variant Classification Scheme 2023. Collection method: clinical testing. Allele origin: germline.
Comment: The p.E2221Q variant (also known as c.6661G>C), located in coding exon 45 of the ATM gene, results from a G to C substitution at nucleotide position 6661. The glutamic acid at codon 2221 is replaced by glutamine, an amino acid with highly similar properties. This amino acid position is conserved. In addition, the in silico prediction for this alteration is inconclusive. Based on the available evidence, the clinical significance of this variant remains unclear.

NM_000051.4(ATM):c.6661G>C (p.Glu2221Gln)

Genes: ATM (ATM serine/threonine kinase; plus strand), C11orf65 (chromosome 11 open reading frame 65; minus strand). Cytogenetic location: 11q22.3.
Variant type: single nucleotide variant.
Coding change: c.6661G>C on transcript NM_000051.4 (MANE Select); coding-DNA position 6661, G replaced by C.
Protein change: p.Glu2221Gln; replaces glutamic acid 2221 with glutamine.
Molecular consequence: missense variant. On other transcripts: intron variant (2).
Genome position (GRCh38, 1-based): chr11:108,325,398, G>C. VCF-style: chr11-108325398-G-C. GRCh37 (hg19) VCF-style: chr11-108196125-G-C.
Other names: c.6661G>C, p.Glu2221Gln (NM_001351834.2); c.641-16327C>G (NM_001330368.2); c.*38+9822C>G (NM_001351110.2); short protein forms E2221Q.
Identifiers: ClinVar variation 1478159 (VCV001478159.8), dbSNP rs1591128898, ClinGen allele CA382554845.